The following is an entry in ClinVar:

ClinVar aggregate classification (germline): Conflicting classifications of pathogenicity. Review status: criteria provided, conflicting classifications (1 of 4 stars). 10 submissions from 10 submitters: Uncertain significance (8); Likely benign (2). Last evaluated 2026-01-21.

Conditions:
TTN-related disorder. Also called: TTN-related condition; TTN-related disease; TTN-related disorders.
Early-onset myopathy with fatal cardiomyopathy (CMYO5). Also called: Salih Myopathy; CONGENITAL MYOPATHY 5 WITH CARDIOMYOPATHY. Identifiers: Orphanet 289377, MedGen C2673677, MONDO:0012714, OMIM 611705. Disease mechanism: loss of function.
Dilated cardiomyopathy 1G (CMD1G). Identifiers: Orphanet 154, MedGen C1858763, MONDO:0011400, OMIM 604145.
Autosomal recessive limb-girdle muscular dystrophy type 2J (LGMDR10). Also called: Limb-girdle muscular dystrophy, type 2J; MUSCULAR DYSTROPHY, LIMB-GIRDLE, AUTOSOMAL RECESSIVE 10. Identifiers: Orphanet 140922, MedGen C1837342, MONDO:0012127, OMIM 608807.
Tibial muscular dystrophy (TMD). Also called: Tibial muscular dystrophy, tardive; Udd Distal Myopathy – Tibial Muscular Dystrophy; UDD MYOPATHY. Identifiers: Orphanet 609, MedGen C1838244, MONDO:0010870, OMIM 600334.
Hypertrophic cardiomyopathy 9. Also called: Familial hypertrophic cardiomyopathy 9. Identifiers: MedGen C1861065, MONDO:0013412, OMIM 613765.
Myopathy, myofibrillar, 9, with early respiratory failure (MFM9). Also called: Myopathy, distal, with early respiratory failure, autosomal dominant; MYOPATHY, PROXIMAL, WITH EARLY RESPIRATORY MUSCLE INVOLVEMENT; Hereditary myopathy with early respiratory failure; EDSTROM MYOPATHY. Identifiers: Orphanet 178464, Orphanet 34521, MedGen C1863599, MONDO:0011362, OMIM 603689.

Allele frequency attached by ClinVar (database versions not stated): TOPMed 0.00007; ESP Exome Variant Server 0.00017.
gnomAD v4.1: 69 of 1,613,646 alleles (0.0043%); highest among the groups gnomAD compares: African/African-American, 0.0053%; no homozygotes.

Submissions (10):

PreventionGenetics, part of Exact Sciences
Classification: Uncertain significance for TTN-related condition. Last evaluated: 2026-01-21. Review status: criteria provided, single submitter. Criteria: ACMG Guidelines, 2015. Collection method: clinical testing. Allele origin: germline.
Comment: The TTN c.94282C>A variant is predicted to result in the amino acid substitution p.Arg31428Ser. To our knowledge, this variant has not been reported in the literature. This variant is reported in 0.0047% of alleles in individuals of European (Non-Finnish) descent in gnomAD. At this time, the clinical significance of this variant is uncertain due to the absence of conclusive functional and genetic evidence.

Women's Health and Genetics/Laboratory Corporation of America, LabCorp
Classification: Uncertain significance. Last evaluated: 2025-12-29. Review status: criteria provided, single submitter. Criteria: LabCorp Variant Classification Summary - May 2015. Collection method: clinical testing. Allele origin: germline.
Comment: Variant summary: TTN c.86578C>A (p.Arg28860Ser) results in a non-conservative amino acid change in the encoded protein sequence. Algorithms developed to predict the effect of missense changes on protein structure and function are either unavailable or do not agree on the potential impact of this missense change. The variant allele was found at a frequency of 1.2e-05 in 248622 control chromosomes. The available data on variant occurrences in the general population are insufficient to allow any conclusion about variant significance. To our knowledge, no occurrence of c.86578C>A in individuals affected with TTN-related conditions and no experimental evidence demonstrating its impact on protein function have been reported. The following publications have been ascertained in the context of this evaluation (PMID: 37979581, 30021846). ClinVar contains an entry for this variant (Variation ID: 203002). Based on the evidence outlined above, the variant was classified as uncertain significance.

Molecular Diagnostic Laboratory for Inherited Cardiovascular Disease, Montreal Heart Institute
Classification: Likely benign. Last evaluated: 2025-04-09. Review status: criteria provided, single submitter. Criteria: ACMG Guidelines, 2015. Collection method: clinical testing. Allele origin: germline. Affected: no.

Revvity Omics, Revvity
Classification: Uncertain significance. Last evaluated: 2023-11-30. Review status: criteria provided, single submitter. Criteria: ACMG Guidelines, 2015. Collection method: clinical testing. Allele origin: germline.

Department of Pathology and Laboratory Medicine, Sinai Health System
Classification: Uncertain significance for Tibial muscular dystrophy; Autosomal recessive limb-girdle muscular dystrophy type 2J; Dilated cardiomyopathy 1G; Early-onset myopathy with fatal cardiomyopathy; Hypertrophic cardiomyopathy 9. Last evaluated: 2022-06-28. Review status: criteria provided, single submitter. Criteria: ACMG Guidelines, 2015. Collection method: research. Allele origin: germline.

GeneDx
Classification: Likely benign. Last evaluated: 2021-01-22. Review status: criteria provided, single submitter. Criteria: GeneDx Variant Classification Process June 2021. Collection method: clinical testing. Allele origin: germline. Affected: yes.

Centre for Mendelian Genomics, University Medical Centre Ljubljana
Classification: Uncertain significance for Tibial muscular dystrophy. Last evaluated: 2020-01-27. Review status: criteria provided, single submitter. Criteria: ACMG Guidelines, 2015. Collection method: clinical testing. Allele origin: unknown. Affected: yes.
Comment: This variant was classified as: Uncertain significance. The available evidence on this variant's pathogenicity is insufficient or conflicting. The following ACMG criteria were applied in classifying this variant: PP3,BP1.

Labcorp Genetics (formerly Invitae), Labcorp
Classification: Uncertain significance for Dilated cardiomyopathy 1G; Autosomal recessive limb-girdle muscular dystrophy type 2J. Last evaluated: 2019-05-10. Review status: criteria provided, single submitter. Criteria: Invitae Variant Classification Sherloc (09022015). Collection method: clinical testing. Allele origin: germline.
Comment: This sequence change replaces arginine with serine at codon 31428 of the TTN protein (p.Arg31428Ser). There is a moderate physicochemical difference between arginine and serine. This variant is present in population databases (rs190282707, ExAC 0.006%). This variant has not been reported in the literature in individuals with TTN-related disease. ClinVar contains an entry for this variant (Variation ID: 203002). This variant identified in the TTN gene is located in the A band of the resulting protein (PMID: 25589632). Algorithms developed to predict the effect of missense changes on protein structure and function are unavailable for the TTN gene. Algorithms developed to predict the effect of sequence changes on RNA splicing suggest that this variant may create or strengthen a splice site, but this prediction has not been confirmed by published transcriptional studies. In summary, this variant is a novel missense change with unknown impact on protein function. Missense variants in this region of the TTN gene are typically not causative for cardiac disease, but may be relevant for neuromuscular disorders. However, the available evidence is currently insufficient to determine this variant‚Äôs role in disease. Therefore, it has been classified as a Variant of Uncertain Significance.

Fulgent Genetics
Classification: Uncertain significance for Tibial muscular dystrophy; Myopathy, myofibrillar, 9, with early respiratory failure; Dilated cardiomyopathy 1G; Autosomal recessive limb-girdle muscular dystrophy type 2J; Early-onset myopathy with fatal cardiomyopathy; Hypertrophic cardiomyopathy 9. Last evaluated: 2018-10-31. Review status: criteria provided, single submitter. Criteria: ACMG Guidelines, 2015. Collection method: clinical testing. Allele origin: unknown.

Eurofins Ntd Llc (ga)
Classification: Uncertain significance. Last evaluated: 2018-06-15. Review status: criteria provided, single submitter. Criteria: EGL ClinVar v180209 classification definitions. Collection method: clinical testing. Allele origin: germline. Observed: 4 variant alleles, 4 heterozygotes.

Literature cited by the submitters: PubMed 30021846 (cited by Women's Health and Genetics/Laboratory Corporation of America, LabCorp); PubMed 37979581 (cited by Women's Health and Genetics/Laboratory Corporation of America, LabCorp); PubMed 25589632 (cited by Labcorp Genetics (formerly Invitae), Labcorp).

NM_001267550.2(TTN):c.94282C>A (p.Arg31428Ser)

Genes: TTN (titin; minus strand), TTN-AS1 (TTN antisense RNA 1; plus strand). Cytogenetic location: 2q31.2.
Variant type: single nucleotide variant.
Coding change: c.94282C>A on transcript NM_001267550.2 (MANE Select); coding-DNA position 94282, C replaced by A.
Protein change: p.Arg31428Ser; replaces arginine 31428 with serine.
Molecular consequence: missense variant.
Genome position (GRCh38, 1-based): chr2:178,547,243, G>T on the plus strand (C>A on the coding strand, the complement: TTN is on the minus strand). VCF-style: chr2-178547243-G-T. GRCh37 (hg19) VCF-style: chr2-179411970-G-T.
Other names: p.R28860S:CGT>AGT; c.89359C>A, p.Arg29787Ser (NM_001256850.1); c.67087C>A, p.Arg22363Ser (NM_003319.4); c.86578C>A, p.Arg28860Ser (NM_133378.4); c.67462C>A, p.Arg22488Ser (NM_133432.3); c.67663C>A, p.Arg22555Ser (NM_133437.4); short protein forms R29787S, R31428S, R28860S, R22488S, R22363S, R22555S.
Identifiers: ClinVar variation 203002 (VCV000203002.23), dbSNP rs190282707, ClinGen allele CA310944.